The following is an entry in ClinVar:

ClinVar aggregate classification (germline): Uncertain significance (1 of 4 stars; one submission).

Submission:

Ambry Genetics
Classification: Uncertain significance. Last evaluated: 2025-10-14. Review status: criteria provided, single submitter. Criteria: Ambry Variant Classification Scheme 2023. Collection method: clinical testing. Allele origin: germline.
Comment: The p.F595L variant (also known as c.1783T>C), located in coding exon 13 of the GEN1 gene, results from a T to C substitution at nucleotide position 1783. The phenylalanine at codon 595 is replaced by leucine, an amino acid with highly similar properties. This amino acid position is conserved. In addition, this alteration is predicted to be tolerated by in silico analysis. Based on the available evidence, the clinical significance of this variant remains unclear.

NM_001130009.3(GEN1):c.1783T>C (p.Phe595Leu)

Gene: GEN1 (GEN1 structure-specific endonuclease; plus strand). Cytogenetic location: 2p24.2.
Variant type: single nucleotide variant.
Coding change: c.1783T>C on transcript NM_001130009.3 (MANE Select); coding-DNA position 1783, T replaced by C.
Protein change: p.Phe595Leu; replaces phenylalanine 595 with leucine.
Molecular consequence: missense variant.
Genome position (GRCh38, 1-based): chr2:17,780,995, T>C. VCF-style: chr2-17780995-T-C. GRCh37 (hg19) VCF-style: chr2-17962262-T-C.
Other names: c.1783T>C, p.Phe595Leu (NM_182625.5); short protein forms F595L.
Identifiers: ClinVar variation 4671470 (VCV004671470.1).